The following is an entry in ClinVar:

NM_058216.3(RAD51C):c.505G>C (p.Val169Leu)

Gene: RAD51C (RAD51 paralog C; plus strand). Cytogenetic location: 17q22.
Variant type: single nucleotide variant.
Coding change: c.505G>C on transcript NM_058216.3 (MANE Select); coding-DNA position 505, G replaced by C.
Protein change: p.Val169Leu; replaces valine 169 with leucine.
Molecular consequence: missense variant.
Genome position (GRCh38, 1-based): chr17:58,696,793, G>C. VCF-style: chr17-58696793-G-C. GRCh37 (hg19) VCF-style: chr17-56774154-G-C.
Other names: short protein forms V169L.
Identifiers: ClinVar variation 3647382 (VCV003647382.2).

ClinVar aggregate classification (germline): Uncertain significance (1 of 4 stars; one submission).

Conditions:
Fanconi anemia complementation group O. Also called: RAD51C-Related Fanconi Anemia. Identifiers: Orphanet 84, MedGen C3150653, MONDO:0013248, OMIM 613390.

Submission:

Labcorp Genetics (formerly Invitae), Labcorp
Classification: Uncertain significance for Fanconi anemia complementation group O. Last evaluated: 2024-03-23. Review status: criteria provided, single submitter. Criteria: Invitae Variant Classification Sherloc (09022015). Collection method: clinical testing. Allele origin: germline.
Comment: This sequence change replaces valine, which is neutral and non-polar, with leucine, which is neutral and non-polar, at codon 169 of the RAD51C protein (p.Val169Leu). This variant is not present in population databases (gnomAD no frequency). This variant has not been reported in the literature in individuals affected with RAD51C-related conditions. Advanced modeling of protein sequence and biophysical properties (such as structural, functional, and spatial information, amino acid conservation, physicochemical variation, residue mobility, and thermodynamic stability) performed at Invitae indicates that this missense variant is not expected to disrupt RAD51C protein function with a negative predictive value of 80%. In summary, the available evidence is currently insufficient to determine the role of this variant in disease. Therefore, it has been classified as a Variant of Uncertain Significance.